The following is an entry in ClinVar:

NM_001278512.2(AP3B2):c.1604A>T (p.Asp535Val)

Genes: AP3B2 (adaptor related protein complex 3 subunit beta 2; minus strand), CPEB1-AS1 (CPEB1 antisense RNA 1; plus strand). Cytogenetic location: 15q25.2.
Variant type: single nucleotide variant.
Coding change: c.1604A>T on transcript NM_001278512.2 (MANE Select); coding-DNA position 1604, A replaced by T.
Protein change: p.Asp535Val; replaces aspartic acid 535 with valine.
Molecular consequence: missense variant.
Genome position (GRCh38, 1-based): chr15:82,676,522, T>A on the plus strand (A>T on the coding strand, the complement: AP3B2 is on the minus strand). VCF-style: chr15-82676522-T-A. GRCh37 (hg19) VCF-style: chr15-83345274-T-A.
Other names: c.1508A>T, p.Asp503Val (NM_001278511.2); c.1604A>T, p.Asp535Val (NM_004644.5); short protein forms D503V, D535V.
Identifiers: ClinVar variation 1472465 (VCV001472465.8), dbSNP rs2151438008, ClinGen allele CA393315117.

ClinVar aggregate classification (germline): Uncertain significance (1 of 4 stars; one submission).

Submission:

Labcorp Genetics (formerly Invitae), Labcorp
Classification: Uncertain significance. Last evaluated: 2021-05-20. Review status: criteria provided, single submitter. Criteria: Invitae Variant Classification Sherloc (09022015). Collection method: clinical testing. Allele origin: germline.
Comment: In summary, the available evidence is currently insufficient to determine the role of this variant in disease. Therefore, it has been classified as a Variant of Uncertain Significance. Algorithms developed to predict the effect of sequence changes on RNA splicing suggest that this variant may create or strengthen a splice site, but this prediction has not been confirmed by published transcriptional studies. Algorithms developed to predict the effect of missense changes on protein structure and function are either unavailable or do not agree on the potential impact of this missense change (SIFT: "Deleterious"; PolyPhen-2: "Benign"; Align-GVGD: "Class C0"). This variant has not been reported in the literature in individuals with AP3B2-related conditions. This variant is not present in population databases (ExAC no frequency). This sequence change replaces aspartic acid with valine at codon 535 of the AP3B2 protein (p.Asp535Val). The aspartic acid residue is highly conserved and there is a large physicochemical difference between aspartic acid and valine.